The following is an entry in ClinVar:

NM_000092.5(COL4A4):c.4832G>A (p.Gly1611Glu)

Gene: COL4A4 (collagen type IV alpha 4 chain; minus strand). Cytogenetic location: 2q36.3.
Variant type: single nucleotide variant.
Coding change: c.4832G>A on transcript NM_000092.5 (MANE Select); coding-DNA position 4832, G replaced by A.
Protein change: p.Gly1611Glu; replaces glycine 1611 with glutamic acid.
Molecular consequence: missense variant.
Genome position (GRCh38, 1-based): chr2:227,007,566, C>T on the plus strand (G>A on the coding strand, the complement: COL4A4 is on the minus strand). VCF-style: chr2-227007566-C-T. GRCh37 (hg19) VCF-style: chr2-227872282-C-T.
Other names: short protein forms G1611E.
Identifiers: ClinVar variation 3251565 (VCV003251565.1), dbSNP rs2472584674.

ClinVar aggregate classification (germline): Uncertain significance (1 of 4 stars; one submission).

Submission:

Women's Health and Genetics/Laboratory Corporation of America, LabCorp
Classification: Uncertain significance. Last evaluated: 2024-04-03. Review status: criteria provided, single submitter. Criteria: LabCorp Variant Classification Summary - May 2015. Collection method: clinical testing. Allele origin: germline.
Comment: Variant summary: COL4A4 c.4832G>A (p.Gly1611Glu) results in a non-conservative amino acid change located in the Collagen IV, non-collagenous (IPR001442) of the encoded protein sequence. Five of five in-silico tools predict a damaging effect of the variant on protein function. The variant was absent in 247538 control chromosomes. The available data on variant occurrences in the general population are insufficient to allow any conclusion about variant significance. c.4832G>A has been reported in the literature in individuals affected with kidney disease. These report(s) do not provide unequivocal conclusions about association of the variant with Alport Syndrome, Autosomal Recessive. To our knowledge, no experimental evidence demonstrating an impact on protein function has been reported. The following publication have been ascertained in the context of this evaluation (PMID: 36100708). No submitters have cited clinical-significance assessments for this variant to ClinVar. Based on the evidence outlined above, the variant was classified as uncertain significance.

Literature cited by the submitters: PubMed 36100708.